The following is an entry in ClinVar:

NM_000138.5(FBN1):c.5573A>G (p.Asn1858Ser)

Gene: FBN1 (fibrillin 1; minus strand). Cytogenetic location: 15q21.1.
Variant type: single nucleotide variant.
Coding change: c.5573A>G on transcript NM_000138.5 (MANE Select); coding-DNA position 5573, A replaced by G.
Protein change: p.Asn1858Ser; replaces asparagine 1858 with serine.
Molecular consequence: missense variant.
Genome position (GRCh38, 1-based): chr15:48,448,866, T>C on the plus strand (A>G on the coding strand, the complement: FBN1 is on the minus strand). VCF-style: chr15-48448866-T-C. GRCh37 (hg19) VCF-style: chr15-48741063-T-C.
Other names: short protein forms N1858S.
Identifiers: ClinVar variation 429562 (VCV000429562.9), dbSNP rs751472490, ClinGen allele CA055254.

ClinVar aggregate classification (germline): Uncertain significance. Review status: criteria provided, multiple submitters, no conflicts (2 of 4 stars). 4 submissions from 4 submitters: Uncertain significance (4). Last evaluated 2025-05-14.

Conditions:
Marfan syndrome (MFS). Also called: MARFAN SYNDROME, TYPE I; FBN1-Related Marfan Syndrome; Marfan syndrome type 1; Marfan's syndrome; Marfan syndrome, classic. Identifiers: Orphanet 284963, Orphanet 558, MedGen C0024796, MONDO:0007947, OMIM 154700.
Familial thoracic aortic aneurysm and aortic dissection (TAAD). Also called: Thoracic aortic aneurysms and dissections. Identifiers: Orphanet 91387, MedGen C4707243, MONDO:0019625.

Allele frequency attached by ClinVar (database versions not stated): gnomAD exomes 0.00002 and 0.00006; ExAC 0.00008.
gnomAD v4.1: 38 of 1,612,274 alleles (0.0024%); highest among the groups gnomAD compares: Non-Finnish European, 0.0025%; no homozygotes.

Submissions (4):

Labcorp Genetics (formerly Invitae), Labcorp
Classification: Uncertain significance for Marfan syndrome; Familial thoracic aortic aneurysm and aortic dissection. Last evaluated: 2025-05-14. Review status: criteria provided, single submitter. Criteria: Invitae Variant Classification Sherloc (09022015). Collection method: clinical testing. Allele origin: germline.
Comment: This sequence change replaces asparagine, which is neutral and polar, with serine, which is neutral and polar, at codon 1858 of the FBN1 protein (p.Asn1858Ser). This variant is present in population databases (rs751472490, gnomAD 0.01%), and has an allele count higher than expected for a pathogenic variant. This missense change has been observed in individual(s) with Marfan syndrome (internal data). ClinVar contains an entry for this variant (Variation ID: 429562). Invitae Evidence Modeling of protein sequence and biophysical properties (such as structural, functional, and spatial information, amino acid conservation, physicochemical variation, residue mobility, and thermodynamic stability) has been performed for this missense variant. However, the output from this modeling did not meet the statistical confidence thresholds required to predict the impact of this variant on FBN1 protein function. In summary, the available evidence is currently insufficient to determine the role of this variant in disease. Therefore, it has been classified as a Variant of Uncertain Significance.

Color Diagnostics, LLC DBA Color Health
Classification: Uncertain significance for Familial thoracic aortic aneurysm and aortic dissection. Last evaluated: 2024-02-13. Review status: criteria provided, single submitter. Criteria: ACMG Guidelines, 2015. Collection method: clinical testing. Allele origin: germline.
Comment: This missense variant replaces asparagine with serine at codon 1858 of the FBN1 protein. Computational prediction suggests that this variant may not impact protein structure and function (internally defined REVEL score threshold <= 0.5, PMID: 27666373). To our knowledge, functional studies have not been reported for this variant. This variant has not been reported in individuals affected with FBN1-related disorders in the literature. This variant has been identified in 15/250824 chromosomes in the general population by the Genome Aggregation Database (gnomAD). The available evidence is insufficient to determine the role of this variant in disease conclusively. Therefore, this variant is classified as a Variant of Uncertain Significance.

Women's Health and Genetics/Laboratory Corporation of America, LabCorp
Classification: Uncertain significance. Last evaluated: 2024-02-05. Review status: criteria provided, single submitter. Criteria: LabCorp Variant Classification Summary - May 2015. Collection method: clinical testing. Allele origin: germline.
Comment: Variant summary: FBN1 c.5573A>G (p.Asn1858Ser) results in a conservative amino acid change in the encoded protein sequence. Three of five in-silico tools predict a damaging effect of the variant on protein function. The variant allele was found at a frequency of 6e-05 in 250824 control chromosomes (gnomAD). This frequency is not significantly higher than estimated for a pathogenic variant in FBN1 causing Marfan Syndrome (6e-05 vs 0.00011), allowing no conclusion about variant significance. To our knowledge, no occurrence of c.5573A>G in individuals affected with Marfan Syndrome and no experimental evidence demonstrating its impact on protein function have been reported. ClinVar contains an entry for this variant (Variation ID: 429562). Based on the evidence outlined above, the variant was classified as uncertain significance.

GeneDx
Classification: Uncertain significance. Last evaluated: 2017-05-12. Review status: criteria provided, single submitter. Criteria: GeneDx Variant Classification (06012015). Collection method: clinical testing. Allele origin: germline. Affected: yes.
Comment: The N1858S variant in the FBN1 gene has not been reported previously as a pathogenic variant, nor as a benign variant, to our knowledge. Although not present in the homozygous state, the N1858S variant is observed in 10/65,916 alleles (0.015%) from individuals of non-Finnish European background in the ExAC dataset (Lek et al., 2016). The N1858S variant is a conservative amino acid substitution, which is not likely to impact secondary protein structure as these residues share similar properties. However, this substitution occurs at a position that is conserved across mammalian species, and in silico analysis predicts this variant is probably damaging to the protein structure/function. Missense variants in nearby residues (C1860R, C1860Y, C1860F, and G1863E) have been reported in the Human Gene Mutation Database in association with Marfan syndrome (Stenson et al., 2014), supporting the functional importance of this region of the protein. We interpret N1858S as a variant of uncertain significance.